The following is an entry in ClinVar:

ClinVar aggregate classification (germline): Uncertain significance (1 of 4 stars; one submission).

Conditions:
Emery-Dreifuss muscular dystrophy 4, autosomal dominant (EDMD4). Also called: EMERY-DREIFUSS MUSCULAR DYSTROPHY 4 WITH VARIABLE FEATURES. Identifiers: Orphanet 261, MedGen C2751807, MONDO:0013071, OMIM 612998.
Autosomal recessive ataxia, Beauce type. Also called: Spinocerebellar ataxia, autosomal recessive 8; ATAXIA, RECESSIVE, OF BEAUCE; SYNE1-Related Autosomal Recessive Cerebellar Ataxia; SYNE1 Deficiency. Identifiers: Orphanet 88644, MedGen C1853116, MONDO:0012549, OMIM 610743.

Allele frequency attached by ClinVar (database versions not stated): TOPMed 0.00001.
gnomAD v4.1: 3 of 1,611,276 alleles (0.00019%); highest among the groups gnomAD compares: South Asian, 0.0033%; no homozygotes.

Submission:

Labcorp Genetics (formerly Invitae), Labcorp
Classification: Uncertain significance for Emery-Dreifuss muscular dystrophy 4, autosomal dominant; Autosomal recessive ataxia, Beauce type. Last evaluated: 2022-07-06. Review status: criteria provided, single submitter. Criteria: Invitae Variant Classification Sherloc (09022015). Collection method: clinical testing. Allele origin: germline.
Comment: This sequence change falls in intron 123 of the SYNE1 gene. It does not directly change the encoded amino acid sequence of the SYNE1 protein. It affects a nucleotide within the consensus splice site. This variant is present in population databases (no rsID available, gnomAD 0.006%). This variant has not been reported in the literature in individuals affected with SYNE1-related conditions. Variants that disrupt the consensus splice site are a relatively common cause of aberrant splicing (PMID: 17576681, 9536098). Algorithms developed to predict the effect of sequence changes on RNA splicing suggest that this variant is not likely to affect RNA splicing. In summary, the available evidence is currently insufficient to determine the role of this variant in disease. Therefore, it has been classified as a Variant of Uncertain Significance.

Literature cited by the submitters: PubMed 17576681; PubMed 9536098.

NM_182961.4(SYNE1):c.22589+4G>A

Gene: SYNE1 (spectrin repeat containing nuclear envelope protein 1; minus strand). Cytogenetic location: 6q25.2.
Variant type: single nucleotide variant.
Coding change: c.22589+4G>A on transcript NM_182961.4 (MANE Select); 4 bases into the intron after coding-DNA position 22589, G replaced by A.
Molecular consequence: intron variant.
Genome position (GRCh38, 1-based): chr6:152,211,490, C>T on the plus strand (G>A on the coding strand, the complement: SYNE1 is on the minus strand). VCF-style: chr6-152211490-C-T. GRCh37 (hg19) VCF-style: chr6-152532625-C-T.
Other names: c.22376+4G>A (NM_033071.5).
Identifiers: ClinVar variation 2193008 (VCV002193008.3), dbSNP rs563408259, ClinGen allele CA571126823.